The following is an entry in ClinVar:

NM_001130987.2(DYSF):c.5251A>T (p.Lys1751Ter)

Gene: DYSF (dysferlin; plus strand). Cytogenetic location: 2p13.2.
Variant type: single nucleotide variant.
Coding change: c.5251A>T on transcript NM_001130987.2 (MANE Select); coding-DNA position 5251, A replaced by T.
Protein change: p.Lys1751Ter; replaces lysine 1751 with a stop codon.
Molecular consequence: nonsense.
Genome position (GRCh38, 1-based): chr2:71,665,238, A>T. VCF-style: chr2-71665238-A-T. GRCh37 (hg19) VCF-style: chr2-71892368-A-T.
Other names: c.5137A>T, p.Lys1713Ter (NM_001130455.2); c.5092A>T, p.Lys1698Ter (NM_001130976.2); c.5155A>T, p.Lys1719Ter (NM_001130977.2); c.5197A>T, p.Lys1733Ter (NM_001130978.2); c.5227A>T, p.Lys1743Ter (NM_001130979.2); c.5185A>T, p.Lys1729Ter (NM_001130980.2); c.5248A>T, p.Lys1750Ter (NM_001130981.2); c.5230A>T, p.Lys1744Ter (NM_001130982.2); and 5 more; short protein forms K1698*, K1699*, K1712*, K1713*, K1719*, K1720*, K1729*, K1730*.
Identifiers: ClinVar variation 984245 (VCV000984245.4), dbSNP rs2094975129, ClinGen allele CA347221057.
Genomic context (GRCh38, chr2:71,665,238, plus strand): 5'-TGGCGGGACCAGCTCCGCCCCTCCCAGCTCCTCCACCTCTTCTGCCAGCAGCATAGAGTC[A>T]AGGCACCTGTGTACCGGACAGACCGTGTAATGTTTCAGGATAAAGAATATTCCATTGAAG-3'

ClinVar aggregate classification (germline): Likely pathogenic (1 of 4 stars; one submission).

Conditions:
Autosomal recessive limb-girdle muscular dystrophy. Identifiers: Orphanet 102015, MedGen C2931907, MONDO:0015152.

Submission:

Myriad Genetics, Inc.
Classification: Likely pathogenic for Autosomal recessive limb-girdle muscular dystrophy. Last evaluated: 2019-05-06. Review status: criteria provided, single submitter. Criteria: Myriad Autosomal Dominant, Autosomal Recessive and X-Linked Classification Criteria (2023). Collection method: clinical testing. Allele origin: unknown.
Comment: NM_003494.3(DYSF):c.5134A>T(K1712*) is expected to be pathogenic in the context of dysferlinopathy. This variant is predicted to lead to an abnormal or absent protein product due to the creation of a premature termination codon in DYSF, a gene where loss-of-function variants are known to be pathogenic. Please note: this variant was assessed in the context of healthy population screening.